The following is an entry in ClinVar:

NM_001303457.2(TTI1):c.257G>A (p.Cys86Tyr)

Gene: TTI1 (TELO2 interacting protein 1; minus strand). Cytogenetic location: 20q11.23.
Variant type: single nucleotide variant.
Coding change: c.257G>A on transcript NM_001303457.2 (MANE Select); coding-DNA position 257, G replaced by A.
Protein change: p.Cys86Tyr; replaces cysteine 86 with tyrosine.
Molecular consequence: missense variant.
Genome position (GRCh38, 1-based): chr20:38,013,560, C>T on the plus strand (G>A on the coding strand, the complement: TTI1 is on the minus strand). VCF-style: chr20-38013560-C-T. GRCh37 (hg19) VCF-style: chr20-36641962-C-T.
Other names: c.257G>A, p.Cys86Tyr (NM_014657.3); short protein forms C86Y.
Identifiers: ClinVar variation 3184473 (VCV003184473.2), dbSNP rs747501623, ClinGen allele CA408872843.

ClinVar aggregate classification (germline): Uncertain significance. Review status: criteria provided, multiple submitters, no conflicts (2 of 4 stars). 2 submissions from 2 submitters: Uncertain significance (2). Last evaluated 2024-05-21.

Conditions:
Inborn genetic diseases. Identifiers: MedGen C0950123, MeSH D030342.

Allele frequency attached by ClinVar (database versions not stated): gnomAD 0.00001.
gnomAD v4.1: 3 of 1,614,182 alleles (0.00019%); highest among the groups gnomAD compares: East Asian, 0.0022%; no homozygotes.

Submissions (2):

Women's Health and Genetics/Laboratory Corporation of America, LabCorp
Classification: Uncertain significance. Last evaluated: 2024-05-21. Review status: criteria provided, single submitter. Criteria: LabCorp Variant Classification Summary - May 2015. Collection method: clinical testing. Allele origin: germline.
Comment: Variant summary: TTI1 c.257G>A (p.Cys86Tyr) results in a non-conservative amino acid change in the encoded protein sequence. Three of five in-silico tools predict a damaging effect of the variant on protein function. The variant was absent in 251440 control chromosomes. The available data on variant occurrences in the general population are insufficient to allow any conclusion about variant significance. To our knowledge, no occurrence of c.257G>A in individuals affected with Neurodevelopmental Disorder With Microcephaly And Movement Abnormalities and no experimental evidence demonstrating its impact on protein function have been reported. ClinVar contains an entry for this variant (Variation ID: 3184473). Based on the evidence outlined above, the variant was classified as uncertain significance.

Ambry Genetics
Classification: Uncertain significance for Inborn genetic diseases. Last evaluated: 2023-10-06. Review status: criteria provided, single submitter. Criteria: Ambry Variant Classification Scheme 2023. Collection method: clinical testing. Allele origin: germline.